The following is an entry in ClinVar:

NC_012920.1(MT-CYB):m.15317G>A

Gene: MT-CYB (mitochondrially encoded cytochrome b; plus strand).
Variant type: single nucleotide variant.
Genome position: chrM-15317-G-A.
Identifiers: ClinVar variation 693866 (VCV000693866.1), dbSNP rs2853507, ClinGen allele CA337100366.

ClinVar aggregate classification (germline): Benign (1 of 4 stars; one submission).

Conditions:
Leigh syndrome (NULS). Also called: Leigh's necrotizing encephalopathy; Leigh's disease; Leigh's syndrome; LEIGH SYNDROME, NUCLEAR; Leigh Syndrome (mtDNA deletion); Leigh Disease. Identifiers: Orphanet 506, MedGen C2931891, MONDO:0009723, OMIM 256000.

Submission:

Wong Mito Lab, Molecular and Human Genetics, Baylor College of Medicine
Classification: Benign for Leigh syndrome. Last evaluated: 2019-10-17. Review status: criteria provided, single submitter. Criteria: Modified ACMG Guidelines (Unpublished). Collection method: clinical testing. Allele origin: germline.
Comment: The NC_012920.1:m.15317G>A (YP_003024038.1:p.Ala191Thr) variant in MTCYB gene is interpretated to be a Benign variant based on the modified ACMG guidelines (unpublished). This variant meets the following evidence codes: BS1, BS2, BP4